The following is an entry in ClinVar:

ClinVar aggregate classification (germline): Uncertain significance (1 of 4 stars; one submission).

Conditions:
Hereditary cancer-predisposing syndrome. Also called: Tumor predisposition; Hereditary Cancer Syndrome; Hereditary neoplastic syndrome; Neoplastic Syndromes, Hereditary. Identifiers: Orphanet 140162, MedGen C0027672, MeSH D009386, MONDO:0015356.

Submission:

Ambry Genetics
Classification: Uncertain significance for Hereditary cancer-predisposing syndrome. Last evaluated: 2023-08-02. Review status: criteria provided, single submitter. Criteria: Ambry Variant Classification Scheme 2023. Collection method: clinical testing. Allele origin: germline.
Comment: The p.V457A variant (also known as c.1370T>C), located in coding exon 9 of the BRIP1 gene, results from a T to C substitution at nucleotide position 1370. The valine at codon 457 is replaced by alanine, an amino acid with similar properties. This amino acid position is well conserved in available vertebrate species. In addition, this alteration is predicted to be tolerated by in silico analysis. Since supporting evidence is limited at this time, the clinical significance of this alteration remains unclear.

NM_032043.3(BRIP1):c.1370T>C (p.Val457Ala)

Gene: BRIP1 (BRCA1 interacting DNA helicase 1; minus strand). Cytogenetic location: 17q23.2.
Variant type: single nucleotide variant.
Coding change: c.1370T>C on transcript NM_032043.3 (MANE Select); coding-DNA position 1370, T replaced by C.
Protein change: p.Val457Ala; replaces valine 457 with alanine.
Molecular consequence: missense variant.
Genome position (GRCh38, 1-based): chr17:61,793,700, A>G on the plus strand (T>C on the coding strand, the complement: BRIP1 is on the minus strand). VCF-style: chr17-61793700-A-G. GRCh37 (hg19) VCF-style: chr17-59871061-A-G.
Other names: short protein forms V457A.
Identifiers: ClinVar variation 2624597 (VCV002624597.2), dbSNP rs1369274888, ClinGen allele CA400482262.